The following is an entry in ClinVar:

ClinVar aggregate classification (germline): Uncertain significance (1 of 4 stars; one submission).

Conditions:
Cardiovascular phenotype. Identifiers: MedGen CN230736.

Submission:

Ambry Genetics
Classification: Uncertain significance for Cardiovascular phenotype. Last evaluated: 2024-02-02. Review status: criteria provided, single submitter. Criteria: Ambry Variant Classification Scheme 2023. Collection method: clinical testing. Allele origin: germline.
Comment: The p.P236L variant (also known as c.707C>T), located in coding exon 2 of the NKX2-5 gene, results from a C to T substitution at nucleotide position 707. The proline at codon 236 is replaced by leucine, an amino acid with similar properties. This amino acid position is well conserved in available vertebrate species. In addition, the in silico prediction for this alteration is inconclusive. Based on the available evidence, the clinical significance of this alteration remains unclear.

NM_004387.4(NKX2-5):c.707C>T (p.Pro236Leu)

Gene: NKX2-5 (NK2 homeobox 5; minus strand). Cytogenetic location: 5q35.1.
Variant type: single nucleotide variant.
Coding change: c.707C>T on transcript NM_004387.4 (MANE Select); coding-DNA position 707, C replaced by T.
Protein change: p.Pro236Leu; replaces proline 236 with leucine.
Molecular consequence: missense variant. On other transcripts: 3 prime UTR variant (2).
Genome position (GRCh38, 1-based): chr5:173,232,837, G>A on the plus strand (C>T on the coding strand, the complement: NKX2-5 is on the minus strand). VCF-style: chr5-173232837-G-A. GRCh37 (hg19) VCF-style: chr5-172659840-G-A.
Other names: c.*660C>T (NM_001166175.2); c.*506C>T (NM_001166176.2); short protein forms P236L.
Identifiers: ClinVar variation 3224205 (VCV003224205.1), dbSNP rs397515399, ClinGen allele CA362161323.
Genomic context (GRCh38, chr5:173,232,837, plus strand): 5'-TAGGCGGGGTAGGCGTTATAACCGTAGGGATTGAGGCCCACGCCGTAGGCAGGCGCGTAG[G>A]GCGCCGAGTCCCCTAGGCATGGCTTGCCATCGCGCACCAGCACTGGCACCGCGATCCTGC-3'
Protein context (NP_004378.1, residues 226-246): DGKPCLGDSA[Pro236Leu]YAPAYGVGLN